The following is an entry in ClinVar:

NM_019851.3(FGF20):c.144_145delinsCA (p.Arg49Ser)

Genes: FGF20 (fibroblast growth factor 20; minus strand), LOC129999926 (ATAC-STARR-seq lymphoblastoid silent region 18958; plus strand). Cytogenetic location: 8p22.
Variant type: Indel.
Coding change: c.144_145delinsCA on transcript NM_019851.3 (MANE Select); coding-DNA positions 144 to 145, GC replaced by CA.
Protein change: p.Arg49Ser; replaces arginine 49 with serine.
Molecular consequence: missense variant.
Genome position (GRCh38, 1-based): chr8:17,001,888-17,001,889, GC replaced by TG on the plus strand (GC replaced by CA on the coding strand, the reverse complement: FGF20 is on the minus strand). VCF-style: chr8-17001888-GC-TG. GRCh37 (hg19) VCF-style: chr8-16859397-GC-TG.
Other names: short protein forms R49S.
Identifiers: ClinVar variation 2420456 (VCV002420456.5), dbSNP rs2536546181, ClinGen allele CA2580078020.

ClinVar aggregate classification (germline): Uncertain significance (1 of 4 stars; one submission).

Submission:

Labcorp Genetics (formerly Invitae), Labcorp
Classification: Uncertain significance. Last evaluated: 2025-07-21. Review status: criteria provided, single submitter. Criteria: Invitae Variant Classification Sherloc (09022015). Collection method: clinical testing. Allele origin: germline.
Comment: This sequence change replaces arginine, which is basic and polar, with serine, which is neutral and polar, at codon 49 of the FGF20 protein (p.Arg49Ser). Information on the frequency of this variant in the gnomAD database is not available, as this variant may be reported differently in the database. This variant has not been reported in the literature in individuals affected with FGF20-related conditions. ClinVar contains an entry for this variant (Variation ID: 2420456). Experimental studies and prediction algorithms are not available or were not evaluated, and the functional significance of this variant is currently unknown. In summary, the available evidence is currently insufficient to determine the role of this variant in disease. Therefore, it has been classified as a Variant of Uncertain Significance.